The following is an entry in ClinVar:

ClinVar aggregate classification (germline): Uncertain significance (1 of 4 stars; one submission).

gnomAD v4.1: 1 of 1,614,046 alleles (0.000062%); highest among the groups gnomAD compares: African/African-American, 0.0013%; no homozygotes.

Submission:

Labcorp Genetics (formerly Invitae), Labcorp
Classification: Uncertain significance. Last evaluated: 2025-09-16. Review status: criteria provided, single submitter. Criteria: Invitae Variant Classification Sherloc (09022015). Collection method: clinical testing. Allele origin: germline.
Comment: This sequence change replaces aspartic acid, which is acidic and polar, with histidine, which is basic and polar, at codon 228 of the SLC16A1 protein (p.Asp228His). This variant is present in population databases (rs149718516, gnomAD 0.007%). This variant has not been reported in the literature in individuals affected with SLC16A1-related conditions. An algorithm developed to predict the effect of missense changes on protein structure and function (PolyPhen-2) suggests that this variant is likely to be disruptive. In summary, the available evidence is currently insufficient to determine the role of this variant in disease. Therefore, it has been classified as a Variant of Uncertain Significance.

NM_003051.4(SLC16A1):c.682G>C (p.Asp228His)

Gene: SLC16A1 (solute carrier family 16 member 1; minus strand). Cytogenetic location: 1p13.2.
Variant type: single nucleotide variant.
Coding change: c.682G>C on transcript NM_003051.4 (MANE Select); coding-DNA position 682, G replaced by C.
Protein change: p.Asp228His; replaces aspartic acid 228 with histidine.
Molecular consequence: missense variant.
Genome position (GRCh38, 1-based): chr1:112,917,724, C>G on the plus strand (G>C on the coding strand, the complement: SLC16A1 is on the minus strand). VCF-style: chr1-112917724-C-G. GRCh37 (hg19) VCF-style: chr1-113460346-C-G.
Other names: c.682G>C, p.Asp228His (NM_001166496.2); short protein forms D228H.
Identifiers: ClinVar variation 4808357 (VCV004808357.1).
Genomic context (GRCh38, chr1:112,917,724, plus strand): 5'-TTTGGAAGACTGATCGTTTCTCTTGTTTAGGGTGTCTTCCAATAAGATCTGTATTTGCAT[C>G]ATGCAGATCTTTTTTCACACCAGATTTTCCAGCTTTCTCAAGGGATGCTTTAGACTTATC-3'
Protein context (NP_003042.3, residues 218-238): GKSGVKKDLH[Asp228His]ANTDLIGRHP